The following is an entry in ClinVar:

NM_001430.5(EPAS1):c.454+4T>C

Gene: EPAS1 (endothelial PAS domain protein 1; plus strand). Cytogenetic location: 2p21.
Variant type: single nucleotide variant.
Coding change: c.454+4T>C on transcript NM_001430.5 (MANE Select); 4 bases into the intron after coding-DNA position 454, T replaced by C.
Molecular consequence: intron variant.
Genome position (GRCh38, 1-based): chr2:46,356,812, T>C. VCF-style: chr2-46356812-T-C. GRCh37 (hg19) VCF-style: chr2-46583951-T-C.
Identifiers: ClinVar variation 4804150 (VCV004804150.1).

ClinVar aggregate classification (germline): Uncertain significance (1 of 4 stars; one submission).

Submission:

Labcorp Genetics (formerly Invitae), Labcorp
Classification: Uncertain significance. Last evaluated: 2025-04-22. Review status: criteria provided, single submitter. Criteria: Invitae Variant Classification Sherloc (09022015). Collection method: clinical testing. Allele origin: germline.
Comment: This sequence change falls in intron 4 of the EPAS1 gene. It does not directly change the encoded amino acid sequence of the EPAS1 protein. It affects a nucleotide within the consensus splice site. This variant is present in population databases (rs749287823, gnomAD 0.0009%). This variant has not been reported in the literature in individuals affected with EPAS1-related conditions. Variants that disrupt the consensus splice site are a relatively common cause of aberrant splicing (PMID: 17576681, 9536098). Algorithms developed to predict the effect of sequence changes on RNA splicing suggest that this variant is not likely to affect RNA splicing. In summary, the available evidence is currently insufficient to determine the role of this variant in disease. Therefore, it has been classified as a Variant of Uncertain Significance.

Literature cited by the submitters: PubMed 17576681; PubMed 9536098.